The following is an entry in ClinVar:

NM_014014.5(SNRNP200):c.3655G>A (p.Glu1219Lys)

Gene: SNRNP200 (small nuclear ribonucleoprotein U5 subunit 200; minus strand). Cytogenetic location: 2q11.2.
Variant type: single nucleotide variant.
Coding change: c.3655G>A on transcript NM_014014.5 (MANE Select); coding-DNA position 3655, G replaced by A.
Protein change: p.Glu1219Lys; replaces glutamic acid 1219 with lysine.
Molecular consequence: missense variant.
Genome position (GRCh38, 1-based): chr2:96,286,862, C>T on the plus strand (G>A on the coding strand, the complement: SNRNP200 is on the minus strand). VCF-style: chr2-96286862-C-T. GRCh37 (hg19) VCF-style: chr2-96952600-C-T.
Other names: short protein forms E1219K.
Identifiers: ClinVar variation 2049371 (VCV002049371.4), dbSNP rs1473290376, ClinGen allele CA347671863.

ClinVar aggregate classification (germline): Uncertain significance (1 of 4 stars; one submission).

Allele frequency attached by ClinVar (database versions not stated): gnomAD exomes below 0.00001.

Submission:

Labcorp Genetics (formerly Invitae), Labcorp
Classification: Uncertain significance. Last evaluated: 2021-12-19. Review status: criteria provided, single submitter. Criteria: Invitae Variant Classification Sherloc (09022015). Collection method: clinical testing. Allele origin: germline.
Comment: In summary, the available evidence is currently insufficient to determine the role of this variant in disease. Therefore, it has been classified as a Variant of Uncertain Significance. Algorithms developed to predict the effect of missense changes on protein structure and function are either unavailable or do not agree on the potential impact of this missense change (SIFT: "Deleterious"; PolyPhen-2: "Probably Damaging"; Align-GVGD: "Class C0"). This variant has not been reported in the literature in individuals affected with SNRNP200-related conditions. The frequency data for this variant in the population databases is considered unreliable, as metrics indicate poor data quality at this position in the gnomAD database. This sequence change replaces glutamic acid, which is acidic and polar, with lysine, which is basic and polar, at codon 1219 of the SNRNP200 protein (p.Glu1219Lys).